The following is an entry in ClinVar:

NM_004006.3(DMD):c.9017G>A (p.Gly3006Asp)

Gene: DMD (dystrophin; minus strand). Cytogenetic location: Xp21.2.
Variant type: single nucleotide variant.
Coding change: c.9017G>A on transcript NM_004006.3 (MANE Select); coding-DNA position 9017, G replaced by A.
Protein change: p.Gly3006Asp; replaces glycine 3006 with aspartic acid.
Molecular consequence: missense variant.
Genome position (GRCh38, 1-based): chrX:31,444,548, C>T on the plus strand (G>A on the coding strand, the complement: DMD is on the minus strand). VCF-style: chrX-31444548-C-T. GRCh37 (hg19) VCF-style: chrX-31462665-C-T.
Other names: c.8993G>A, p.Gly2998Asp (NM_000109.4); c.9005G>A, p.Gly3002Asp (NM_004009.3); c.8648G>A, p.Gly2883Asp (NM_004010.3); c.4994G>A, p.Gly1665Asp (NM_004011.4); c.4985G>A, p.Gly1662Asp (NM_004012.4); c.1637G>A, p.Gly546Asp (NM_004013.3, NM_004020.4, NM_004021.3 and 2 more transcripts); c.830G>A, p.Gly277Asp (NM_004014.3); short protein forms G3006D, G1665D, G2883D, G3002D, G1662D, G2998D, G277D, G546D.
Identifiers: ClinVar variation 841137 (VCV000841137.10), dbSNP rs1426562530, ClinGen allele CA412655172.

ClinVar aggregate classification (germline): Uncertain significance. Review status: criteria provided, single submitter (1 of 4 stars). 2 submissions from 2 submitters: Uncertain significance (1). 1 of the submissions does not count toward it. Last evaluated 2024-04-18.

Conditions:
Duchenne muscular dystrophy (DMD). Also called: Duchenne Muscular Dystrophy (DMD); MUSCULAR DYSTROPHY, PSEUDOHYPERTROPHIC PROGRESSIVE, DUCHENNE TYPE. Identifiers: Orphanet 98896, MedGen C0013264, MONDO:0010679, OMIM 310200.
Dystrophin deficiency.
Becker muscular dystrophy (BMD). Also called: MUSCULAR DYSTROPHY, PSEUDOHYPERTROPHIC PROGRESSIVE, BECKER TYPE; Becker Muscular Dystrophy (BMD). Identifiers: Orphanet 98895, MedGen C0917713, MONDO:0010311, OMIM 300376.
Cardiomyopathy (CMYO). Also called: Cardiomyopathies. Identifiers: Orphanet 167848, MedGen C0878544, MONDO:0004994, HP:0001638. Inheritance: Various modes of inheritance.

Allele frequency attached by ClinVar (database versions not stated): gnomAD exomes below 0.00001; TOPMed 0.00001.
gnomAD v4.1: 1 of 1,211,745 alleles (0.000083%); highest among the groups gnomAD compares: Non-Finnish European, 0.00011%; no homozygotes.

Submissions (2):

Labcorp Genetics (formerly Invitae), Labcorp
Classification: Uncertain significance for Duchenne muscular dystrophy. Last evaluated: 2024-04-18. Review status: criteria provided, single submitter. Criteria: Invitae Variant Classification Sherloc (09022015). Collection method: clinical testing. Allele origin: germline.
Comment: This sequence change replaces glycine, which is neutral and non-polar, with aspartic acid, which is acidic and polar, at codon 3006 of the DMD protein (p.Gly3006Asp). This variant is present in population databases (no rsID available, gnomAD 0.009%). This variant has not been reported in the literature in individuals affected with DMD-related conditions. ClinVar contains an entry for this variant (Variation ID: 841137). Advanced modeling of protein sequence and biophysical properties (such as structural, functional, and spatial information, amino acid conservation, physicochemical variation, residue mobility, and thermodynamic stability) performed at Invitae indicates that this missense variant is not expected to disrupt DMD protein function with a negative predictive value of 95%. In summary, the available evidence is currently insufficient to determine the role of this variant in disease. Therefore, it has been classified as a Variant of Uncertain Significance.

Natera, Inc.
Classification: Uncertain significance for Becker muscular dystrophy; Cardiomyopathy; Duchenne muscular dystrophy; Dystrophin deficiency. Last evaluated: 2018-11-26. Review status: no assertion criteria provided. Collection method: clinical testing. Allele origin: germline. Not counted in ClinVar's aggregate classification.